The following is an entry in ClinVar:

ClinVar aggregate classification (germline): Likely pathogenic (1 of 4 stars; one submission).

Conditions:
Familial cancer of breast. Also called: BREAST CANCER, FAMILIAL; Hereditary breast cancer; hereditary breast carcinoma. Identifiers: Orphanet 227535, MedGen C0346153, MONDO:0016419, OMIM 114480. Disease mechanism: loss of function.

Submission:

Myriad Genetics, Inc.
Classification: Likely pathogenic for Familial cancer of breast. Last evaluated: 2024-01-09. Review status: criteria provided, single submitter. Criteria: Myriad Autosomal Dominant, Autosomal Recessive and X-Linked Classification Criteria (2023). Collection method: clinical testing. Allele origin: unknown.
Comment: This variant is considered likely pathogenic. This variant occurs within a consensus splice junction and is predicted to result in abnormal mRNA splicing of either an out-of-frame exon or an in-frame exon necessary for protein stability and/or normal function.

NM_000051.4(ATM):c.496_496+1dup

Gene: ATM (ATM serine/threonine kinase; plus strand). Cytogenetic location: 11q22.3.
Variant type: Duplication.
Coding change: c.496_496+1dup on transcript NM_000051.4 (MANE Select); coding-DNA position 496 through the canonical splice donor site of the intron after coding-DNA position 496, 2 bases duplicated (GG; older notation c.496_496+1dupGG).
Molecular consequence: splice donor variant.
Genome position (GRCh38, 1-based): chr11:108,235,834-108,235,835, GG duplicated. VCF-style (leftmost placement, unchanged base first): chr11-108235833-A-AGG. GRCh37 (hg19) VCF-style: chr11-108106560-A-AGG.
Other names: c.496_496+1dup (NM_001351834.2).
Identifiers: ClinVar variation 3148191 (VCV003148191.1), dbSNP rs2497023073, ClinGen allele CA2825001751.